The following is an entry in ClinVar:

ClinVar aggregate classification (germline): Likely benign (0 of 4 stars; one submission).

Conditions:
F12-related disorder. Also called: F12-related disorders; F12-related condition. Identifiers: MedGen CN239389.

Submission:

PreventionGenetics, part of Exact Sciences
Classification: Likely benign for F12-related condition. Last evaluated: 2024-08-26. Review status: no assertion criteria provided. Collection method: clinical testing. Allele origin: germline.
Comment: This variant is classified as likely benign based on ACMG/AMP sequence variant interpretation guidelines (Richards et al. 2015 PMID: 25741868, with internal and published modifications).

NM_000505.4(F12):c.24G>C (p.Gly8=)

Gene: F12 (coagulation factor XII; minus strand). Cytogenetic location: 5q35.3.
Variant type: single nucleotide variant.
Coding change: c.24G>C on transcript NM_000505.4 (MANE Select); coding-DNA position 24, G replaced by C.
Protein change: p.Gly8=; no amino-acid change (glycine 8 retained).
Molecular consequence: synonymous variant.
Genome position (GRCh38, 1-based): chr5:177,409,504, C>G on the plus strand (G>C on the coding strand, the complement: F12 is on the minus strand). VCF-style: chr5-177409504-C-G. GRCh37 (hg19) VCF-style: chr5-176836505-C-G.
Identifiers: ClinVar variation 3356367 (VCV003356367.1).